The following is an entry in ClinVar:

ClinVar aggregate classification (germline): Uncertain significance. Review status: criteria provided, multiple submitters, no conflicts (2 of 4 stars). 4 submissions from 4 submitters: Uncertain significance (4). Last evaluated 2025-05-27.

Conditions:
Inborn genetic diseases. Identifiers: MedGen C0950123, MeSH D030342.
Combined oxidative phosphorylation deficiency. Identifiers: MedGen C4540031, MONDO:0000732.
Charcot-Marie-Tooth Neuropathy X. Identifiers: MedGen CN118851.

Allele frequency attached by ClinVar (database versions not stated): gnomAD exomes below 0.00001 and 0.00001; ExAC 0.00001; gnomAD 0.00002; TOPMed 0.00001.
gnomAD v4.1: 7 of 1,210,276 alleles (0.00058%); highest among the groups gnomAD compares: Admixed American, 0.0044%; no homozygotes.

Submissions (4):

Labcorp Genetics (formerly Invitae), Labcorp
Classification: Uncertain significance for Charcot-Marie-Tooth Neuropathy X; Combined oxidative phosphorylation deficiency. Last evaluated: 2025-05-27. Review status: criteria provided, single submitter. Criteria: Invitae Variant Classification Sherloc (09022015). Collection method: clinical testing. Allele origin: germline.
Comment: This sequence change replaces aspartic acid, which is acidic and polar, with asparagine, which is neutral and polar, at codon 489 of the AIFM1 protein (p.Asp489Asn). This variant is present in population databases (rs748493176, gnomAD 0.008%). This variant has not been reported in the literature in individuals affected with AIFM1-related conditions. ClinVar contains an entry for this variant (Variation ID: 938979). Invitae Evidence Modeling of protein sequence and biophysical properties (such as structural, functional, and spatial information, amino acid conservation, physicochemical variation, residue mobility, and thermodynamic stability) indicates that this missense variant is not expected to disrupt AIFM1 protein function with a negative predictive value of 80%. In summary, the available evidence is currently insufficient to determine the role of this variant in disease. Therefore, it has been classified as a Variant of Uncertain Significance.

GeneDx
Classification: Uncertain significance. Last evaluated: 2023-09-05. Review status: criteria provided, single submitter. Criteria: GeneDx Variant Classification Process June 2021. Collection method: clinical testing. Allele origin: germline. Affected: yes.
Comment: In silico analysis supports that this missense variant does not alter protein structure/function; Has not been previously published as pathogenic or benign to our knowledge

Institute for Medical Genetics and Human Genetics, Charité - Universitätsmedizin Berlin
Classification: Uncertain significance. Last evaluated: 2022-09-22. Review status: criteria provided, single submitter. Criteria: ACMG Guidelines, 2015. Collection method: clinical testing. Allele origin: germline. Inheritance: X-linked inheritance. Affected: yes. Observed: 1 hemizygote.

Ambry Genetics
Classification: Uncertain significance for Inborn genetic diseases. Last evaluated: 2021-12-14. Review status: criteria provided, single submitter. Criteria: Ambry Variant Classification Scheme 2023. Collection method: clinical testing. Allele origin: germline.

NM_004208.4(AIFM1):c.1465G>A (p.Asp489Asn)

Genes: AIFM1 (apoptosis inducing factor mitochondria associated 1; minus strand), RAB33A (RAB33A, member RAS oncogene family; plus strand). Cytogenetic location: Xq26.1.
Variant type: single nucleotide variant.
Coding change: c.1465G>A on transcript NM_004208.4 (MANE Select); coding-DNA position 1465, G replaced by A.
Protein change: p.Asp489Asn; replaces aspartic acid 489 with asparagine.
Molecular consequence: missense variant. On other transcripts: 3 prime UTR variant (1), non-coding transcript variant (1).
Genome position (GRCh38, 1-based): chrX:130,131,783, C>T on the plus strand (G>A on the coding strand, the complement: AIFM1 is on the minus strand). VCF-style: chrX-130131783-C-T. GRCh37 (hg19) VCF-style: chrX-129265758-C-T.
Other names: c.448G>A, p.Asp150Asn (NM_001130846.4); c.*693G>A (NM_001130847.4); c.1453G>A, p.Asp485Asn (NM_145812.3); short protein forms D150N, D489N, D485N.
Identifiers: ClinVar variation 938979 (VCV000938979.13), dbSNP rs748493176, ClinGen allele CA10515275.